The following is an entry in ClinVar:

ClinVar aggregate classification (germline): Uncertain significance. Review status: criteria provided, multiple submitters, no conflicts (2 of 4 stars). 2 submissions from 2 submitters: Uncertain significance (2). Last evaluated 2022-12-02.

Conditions:
Dystonic disorder. Also called: Dystonia. Identifiers: MedGen C0013421, MONDO:0003441, HP:0001332.

Allele frequency attached by ClinVar (database versions not stated): gnomAD exomes below 0.00001; TOPMed below 0.00001.
gnomAD v4.1: 1 of 1,614,260 alleles (0.000062%); highest among the groups gnomAD compares: Non-Finnish European, 0.000085%; no homozygotes.

Submissions (2):

Ambry Genetics
Classification: Uncertain significance. Last evaluated: 2022-12-02. Review status: criteria provided, single submitter. Criteria: Ambry Variant Classification Scheme 2023. Collection method: clinical testing. Allele origin: germline.

Labcorp Genetics (formerly Invitae), Labcorp
Classification: Uncertain significance for Dystonic disorder. Last evaluated: 2018-04-20. Review status: criteria provided, single submitter. Criteria: Invitae Variant Classification Sherloc (09022015). Collection method: clinical testing. Allele origin: germline.
Comment: This variant has not been reported in the literature in individuals with CIZ1-related disease. This variant is not present in population databases (ExAC no frequency). This sequence change replaces glutamine with proline at codon 426 of the CIZ1 protein (p.Gln426Pro). The glutamine residue is highly conserved and there is a moderate physicochemical difference between glutamine and proline. Algorithms developed to predict the effect of missense changes on protein structure and function do not agree on the potential impact of this missense change (SIFT: "Deleterious"; PolyPhen-2: "Probably Damaging"; Align-GVGD: "Class C0"). In summary, the available evidence is currently insufficient to determine the role of this variant in disease. Therefore, it has been classified as a Variant of Uncertain Significance.

NM_001131016.2(CIZ1):c.1277A>C (p.Gln426Pro)

Gene: CIZ1 (CDKN1A interacting zinc finger protein 1; minus strand). Cytogenetic location: 9q34.11.
Variant type: single nucleotide variant.
Coding change: c.1277A>C on transcript NM_001131016.2 (MANE Select); coding-DNA position 1277, A replaced by C.
Protein change: p.Gln426Pro; replaces glutamine 426 with proline.
Molecular consequence: missense variant. On other transcripts: intron variant (3).
Genome position (GRCh38, 1-based): chr9:128,178,930, T>G on the plus strand (A>C on the coding strand, the complement: CIZ1 is on the minus strand). VCF-style: chr9-128178930-T-G. GRCh37 (hg19) VCF-style: chr9-130941209-T-G.
Other names: c.1367A>C, p.Gln456Pro (NM_001257975.2); c.974A>C, p.Gln325Pro (NM_001257976.2); c.1277A>C, p.Gln426Pro (NM_012127.3); c.1135-26A>C (NM_001131015.2); c.1063-26A>C (NM_001131018.2); c.1120-26A>C (NM_001131017.2); short protein forms Q426P, Q456P, Q325P.
Identifiers: ClinVar variation 565897 (VCV000565897.9), dbSNP rs1564270747, ClinGen allele CA375026730.